The following is an entry in ClinVar:

ClinVar aggregate classification (germline): Pathogenic (1 of 4 stars; one submission).

Conditions:
Seizures, benign familial neonatal, 1. Also called: KCNQ2-Related Self-Limited Familial Neonatal Epilepsy (SLFNE); KCNQ2-Related Benign Familial Neonatal Epilepsy; Seizures, benign neonatal, 1; Benign Neonatal Epilepsy 1. Identifiers: Orphanet 1949, MedGen C3149074, MONDO:0007365, OMIM 121200.

Submission:

Institute of Human Genetics, University of Leipzig Medical Center
Classification: Pathogenic for Seizures, benign familial neonatal, 1. Last evaluated: 2025-03-04. Review status: criteria provided, single submitter. Criteria: ACMG Guidelines, 2015. Collection method: clinical testing. Allele origin: unknown. Inheritance: Autosomal dominant inheritance. Affected: yes.
Comment: Criteria applied: PVS1,PM2

NM_172107.4(KCNQ2):c.1741_1747delinsAGGCAAGAGCCCCGCCTGCCTGTCCAGCAGGGGACAAGAACGGGGTGGGCTTCTGGGAC (p.Ile582fs)

Gene: KCNQ2 (potassium voltage-gated channel subfamily Q member 2; minus strand). Cytogenetic location: 20q13.33.
Variant type: Indel.
Coding change: c.1741_1747delinsAGGCAAGAGCCCCGCCTGCCTGTCCAGCAGGGGACAAGAACGGGGTGGGCTTCTGGGAC on transcript NM_172107.4 (MANE Select); coding-DNA positions 1741 to 1747, the reference bases replaced by an inserted sequence.
Protein change: p.Ile582fs; shifts the reading frame from isoleucine 582.
Molecular consequence: frameshift variant.
Genome position (GRCh38, 1-based): chr20:63,413,466-63,413,472, 7 bases replaced. GRCh37 (hg19): chr20:62,044,819-62,044,825.
Other names: c.1687_1693delinsAGGCAAGAGCCCCGCCTGCCTGTCCAGCAGGGGACAAGAACGGGGTGGGCTTCTGGGAC, p.Ile564fs (NM_001382235.1, NM_172106.3); c.1657_1663delinsAGGCAAGAGCCCCGCCTGCCTGTCCAGCAGGGGACAAGAACGGGGTGGGCTTCTGGGAC, p.Ile554fs (NM_004518.6); c.1648_1654delinsAGGCAAGAGCCCCGCCTGCCTGTCCAGCAGGGGACAAGAACGGGGTGGGCTTCTGGGAC, p.Ile551fs (NM_172108.5); short protein forms I551fs, I554fs, I564fs, I582fs.
Identifiers: ClinVar variation 3773675 (VCV003773675.2).